The following is an entry in ClinVar:

NM_000138.5(FBN1):c.7213del (p.Glu2405fs)

Gene: FBN1 (fibrillin 1; minus strand). Cytogenetic location: 15q21.1.
Variant type: Deletion.
Coding change: c.7213del on transcript NM_000138.5 (MANE Select); coding-DNA position 7213, one base deleted (G; older notation c.7213delG).
Protein change: p.Glu2405fs; shifts the reading frame from glutamic acid 2405.
Molecular consequence: frameshift variant.
Genome position (GRCh38, 1-based): chr15:48,425,856, C deleted on the plus strand (G on the coding strand, the reverse complement: FBN1 is on the minus strand). VCF-style (leftmost placement, unchanged base first): chr15-48425855-TC-T. GRCh37 (hg19) VCF-style: chr15-48718052-TC-T.
Other names: c.7213del, p.Glu2405fs (NM_001406716.1); short protein forms E2405fs.
Identifiers: ClinVar variation 3757368 (VCV003757368.2).

ClinVar aggregate classification (germline): Pathogenic (1 of 4 stars; one submission).

Conditions:
Marfan syndrome (MFS). Also called: MARFAN SYNDROME, TYPE I; Marfan syndrome type 1; Marfan's syndrome; Marfan syndrome, classic; FBN1-Related Marfan Syndrome. Identifiers: Orphanet 284963, Orphanet 558, MedGen C0024796, MONDO:0007947, OMIM 154700.
Familial thoracic aortic aneurysm and aortic dissection (TAAD). Also called: Thoracic aortic aneurysms and dissections. Identifiers: Orphanet 91387, MedGen C4707243, MONDO:0019625.

Submission:

Labcorp Genetics (formerly Invitae), Labcorp
Classification: Pathogenic for Marfan syndrome; Familial thoracic aortic aneurysm and aortic dissection. Last evaluated: 2024-08-23. Review status: criteria provided, single submitter. Criteria: Invitae Variant Classification Sherloc (09022015). Collection method: clinical testing. Allele origin: germline.
Comment: This sequence change creates a premature translational stop signal (p.Glu2405Asnfs*33) in the FBN1 gene. It is expected to result in an absent or disrupted protein product. Loss-of-function variants in FBN1 are known to be pathogenic (PMID: 17657824, 19293843). This variant is not present in population databases (gnomAD no frequency). This variant has not been reported in the literature in individuals affected with FBN1-related conditions. For these reasons, this variant has been classified as Pathogenic.

Literature cited by the submitters: PubMed 17657824; PubMed 19293843.